The following is an entry in ClinVar:

NM_001204.7(BMPR2):c.1413+1G>A

Gene: BMPR2 (bone morphogenetic protein receptor type 2; plus strand). Cytogenetic location: 2q33.2.
Variant type: single nucleotide variant.
Coding change: c.1413+1G>A on transcript NM_001204.7 (MANE Select); the canonical splice donor site of the intron after coding-DNA position 1413, G replaced by A.
Molecular consequence: splice donor variant.
Genome position (GRCh38, 1-based): chr2:202,542,448, G>A. VCF-style: chr2-202542448-G-A. GRCh37 (hg19) VCF-style: chr2-203407171-G-A.
Identifiers: ClinVar variation 425938 (VCV000425938.6), dbSNP rs1085307349, ClinGen allele CA350343048.

ClinVar aggregate classification (germline): Pathogenic. Review status: reviewed by expert panel (3 of 4 stars). 4 submissions from 4 submitters: Pathogenic (1). 3 of the submissions do not count toward it. Last evaluated 2024-05-07.

Conditions:
Pulmonary arterial hypertension. Identifiers: Orphanet 182090, MedGen C2973725, MeSH D000081029, MONDO:0015924, HP:0002092.
Pulmonary hypertension, primary, 1 (PPH1). Also called: Pulmonary hypertension, familial primary, 1, with or without HHT. Identifiers: Orphanet 422, MedGen C4552070, MONDO:0024533, OMIM 178600.
Idiopathic and/or familial pulmonary arterial hypertension. Identifiers: Orphanet 422, MedGen C5679820, MONDO:0008347.

Submissions (4):

Clingen Pulmonary Hypertension Variant Curation Expert Panel, ClinGen
Classification: Pathogenic for Pulmonary arterial hypertension. Last evaluated: 2024-05-07. Review status: reviewed by expert panel. Criteria: ClinGen PH ACMG Specifications BMPR2 V1.1.0. Collection method: curation. Allele origin: germline. Inheritance: Autosomal dominant inheritance.
Comment: The NM_001204.7(BMPR2) c.1413+1G>A variant is located in the canonical donor splice site of intron 11, predicted to cause out-of-frame exon skipping and nonsense mediated decay (PVS1). The variant is absent from gnomAD v2.1.1 and v4.1 (PM2_supporting). The variant has been identified in 4 unrelated probands with pulmonary arterial hypertension (3 reported in ClinVar and 1 from a PH VCEP internal database). No segregation data or mode of inheritance information were available (BS4, PP1, PM6, PS2 not evaluated). In summary, this variant meets the criteria to be classified as pathogenic for autosomal dominant pulmonary arterial hypertension based on the ACMG/AMP criteria applied, as specified by the ClinGen Pulmonary Hypertension VCEP: PVS1, PM2_supporting, PS4_supporting. (VCEP specifications version 1.1, 1/18/2024)

NIHR Bioresource Rare Diseases, University of Cambridge
Classification: Pathogenic for Pulmonary arterial hypertension. Review status: no assertion criteria provided. Collection method: research. Allele origin: unknown. Affected: yes. Observed: 1 variant allele. Not counted in ClinVar's aggregate classification.

Rare Disease Genomics Group, St George's University of London
Classification: Pathogenic for Primary pulmonary hypertension. Review status: no assertion criteria provided. Collection method: literature only. Allele origin: germline. Affected: yes. Not counted in ClinVar's aggregate classification.

Wendy Chung Laboratory, Boston Children's Hospital
No classification provided. Condition: Idiopathic and/or familial pulmonary arterial hypertension. Review status: no classification provided. Collection method: literature only. Allele origin: germline. Affected: yes. Not counted in ClinVar's aggregate classification.

Literature cited by the submitters: PubMed 32581362 (cited by NIHR Bioresource Rare Diseases, University of Cambridge); PubMed 20534176 (cited by Rare Disease Genomics Group, St George's University of London); PubMed 21801371 (cited by Rare Disease Genomics Group, St George's University of London); PubMed 31727138 (cited by Wendy Chung Laboratory, Boston Children's Hospital).